The following is an entry in ClinVar:

NM_031272.5(TEX14):c.2688C>T (p.His896=)

Gene: TEX14 (testis expressed 14, intercellular bridge forming factor; minus strand). Cytogenetic location: 17q22.
Variant type: single nucleotide variant.
Coding change: c.2688C>T on transcript NM_031272.5 (MANE Select); coding-DNA position 2688, C replaced by T.
Protein change: p.His896=; no amino-acid change (histidine 896 retained).
Molecular consequence: synonymous variant.
Genome position (GRCh38, 1-based): chr17:58,587,910, G>A on the plus strand (C>T on the coding strand, the complement: TEX14 is on the minus strand). VCF-style: chr17-58587910-G-A. GRCh37 (hg19) VCF-style: chr17-56665271-G-A.
Other names: c.2706C>T, p.His902= (NM_001201457.2); c.2688C>T, p.His896= (NM_198393.4).
Identifiers: ClinVar variation 4872451 (VCV004872451.2).

ClinVar aggregate classification (germline): Benign (1 of 4 stars; one submission).

gnomAD v4.1: 1,139 of 1,568,474 alleles (0.073%); highest among the groups gnomAD compares: African/African-American, 1.3%; 16 homozygotes.

Submission:

CeGaT Center for Human Genetics Tuebingen
Classification: Benign. Last evaluated: 2026-04-01. Review status: criteria provided, single submitter. Criteria: CeGaT Center For Human Genetics Tuebingen Variant Classification Criteria Version 2. Collection method: clinical testing. Allele origin: germline. Affected: yes. Observed: 1 variant allele.
Comment: TEX14: BP4, BP7, BS1, BS2